The following is an entry in ClinVar:

NM_001385012.1(NBEA):c.4209G>C (p.Leu1403Phe)

Gene: NBEA (neurobeachin; plus strand). Cytogenetic location: 13q13.3.
Variant type: single nucleotide variant.
Coding change: c.4209G>C on transcript NM_001385012.1 (MANE Select); coding-DNA position 4209, G replaced by C.
Protein change: p.Leu1403Phe; replaces leucine 1403 with phenylalanine.
Molecular consequence: missense variant.
Genome position (GRCh38, 1-based): chr13:35,164,485, G>C. VCF-style: chr13-35164485-G-C. GRCh37 (hg19) VCF-style: chr13-35738622-G-C.
Other names: c.4209G>C, p.Leu1403Phe (NM_001379245.1, NM_015678.5); short protein forms L1403F.
Identifiers: ClinVar variation 4294077 (VCV004294077.1).

ClinVar aggregate classification (germline): Uncertain significance (1 of 4 stars; one submission).

Conditions:
Neurodevelopmental disorder with or without early-onset generalized epilepsy. Identifiers: MedGen C5436914, MONDO:0030930, OMIM 619157.

Submission:

3billion
Classification: Uncertain significance for Neurodevelopmental disorder with or without early-onset generalized epilepsy. Last evaluated: 2024-06-27. Review status: criteria provided, single submitter. Criteria: ACMG Guidelines, 2015. Collection method: clinical testing. Allele origin: germline. Affected: yes.
Comment: The variant is not observed in the gnomAD v4.0.0 dataset. Predicted Consequence/Location: Missense variant In silico tool predictions suggest damaging effect of the variant on gene or gene product [3Cnet: 0.84 (>=0.6, sensitivity 0.72 and precision 0.9)]. Therefore, this variant is classified as VUS according to the recommendation of ACMG/AMP guideline.